The following is an entry in ClinVar:

NM_001008537.3(NEXMIF):c.764A>T (p.Asn255Ile)

Gene: NEXMIF (neurite extension and migration factor; minus strand). Cytogenetic location: Xq13.3.
Variant type: single nucleotide variant.
Coding change: c.764A>T on transcript NM_001008537.3 (MANE Select); coding-DNA position 764, A replaced by T.
Protein change: p.Asn255Ile; replaces asparagine 255 with isoleucine.
Molecular consequence: missense variant.
Genome position (GRCh38, 1-based): chrX:74,743,793, T>A on the plus strand (A>T on the coding strand, the complement: NEXMIF is on the minus strand). VCF-style: chrX-74743793-T-A. GRCh37 (hg19) VCF-style: chrX-73963628-T-A.
Other names: short protein forms N255I.
Identifiers: ClinVar variation 2028498 (VCV002028498.4), dbSNP rs369569825, ClinGen allele CA413672575.

ClinVar aggregate classification (germline): Uncertain significance (1 of 4 stars; one submission).

Allele frequency attached by ClinVar (database versions not stated): gnomAD 0.00001.
gnomAD v4.1: 1 of 1,209,430 alleles (0.000083%); highest among the groups gnomAD compares: African/African-American, 0.0018%; no homozygotes.

Submission:

Labcorp Genetics (formerly Invitae), Labcorp
Classification: Uncertain significance. Last evaluated: 2024-11-18. Review status: criteria provided, single submitter. Criteria: Invitae Variant Classification Sherloc (09022015). Collection method: clinical testing. Allele origin: germline.
Comment: This sequence change replaces asparagine, which is neutral and polar, with isoleucine, which is neutral and non-polar, at codon 255 of the NEXMIF protein (p.Asn255Ile). This variant is present in population databases (no rsID available, gnomAD 0.02%). This variant has not been reported in the literature in individuals affected with NEXMIF-related conditions. ClinVar contains an entry for this variant (Variation ID: 2028498). An algorithm developed to predict the effect of missense changes on protein structure and function (PolyPhen-2) suggests that this variant is likely to be disruptive. In summary, the available evidence is currently insufficient to determine the role of this variant in disease. Therefore, it has been classified as a Variant of Uncertain Significance.